The following is an entry in ClinVar:

NM_001289125.3(IFNAR2):c.838T>G (p.Leu280Val)

Genes: IFNAR2 (interferon alpha and beta receptor subunit 2; plus strand), IFNAR2-IL10RB (IFNAR2-IL10RB readthrough; plus strand). Cytogenetic location: 21q22.11.
Variant type: single nucleotide variant.
Coding change: c.838T>G on transcript NM_001289125.3 (MANE Select); coding-DNA position 838, T replaced by G.
Protein change: p.Leu280Val; replaces leucine 280 with valine.
Molecular consequence: missense variant. On other transcripts: intron variant (3).
Genome position (GRCh38, 1-based): chr21:33,260,725, T>G. VCF-style: chr21-33260725-T-G. GRCh37 (hg19) VCF-style: chr21-34633030-T-G.
Other names: c.838T>G, p.Leu280Val (NM_000874.5, NM_001385055.1, NM_207584.3 and 1 more transcripts); c.710-2068T>G (NM_001289128.2, NM_001289126.2); c.710-1836T>G (NM_001385054.1); short protein forms L280V.
Identifiers: ClinVar variation 1476843 (VCV001476843.5), dbSNP rs1988510269, ClinGen allele CA410103419.

ClinVar aggregate classification (germline): Uncertain significance (1 of 4 stars; one submission).

Submission:

Labcorp Genetics (formerly Invitae), Labcorp
Classification: Uncertain significance. Last evaluated: 2023-08-30. Review status: criteria provided, single submitter. Criteria: Invitae Variant Classification Sherloc (09022015). Collection method: clinical testing. Allele origin: germline.
Comment: In summary, the available evidence is currently insufficient to determine the role of this variant in disease. Therefore, it has been classified as a Variant of Uncertain Significance. An algorithm developed to predict the effect of missense changes on protein structure and function (PolyPhen-2) suggests that this variant is likely to be disruptive. ClinVar contains an entry for this variant (Variation ID: 1476843). This variant has not been reported in the literature in individuals affected with IFNAR2-related conditions. This variant is not present in population databases (gnomAD no frequency). This sequence change replaces leucine, which is neutral and non-polar, with valine, which is neutral and non-polar, at codon 280 of the IFNAR2 protein (p.Leu280Val).